The following is an entry in ClinVar:

NM_014846.4(WASHC5):c.2545A>G (p.Met849Val)

Genes: WASHC5-AS1 (WASHC5 antisense RNA 1; plus strand), WASHC5 (WASH complex subunit 5; minus strand). Cytogenetic location: 8q24.13.
Variant type: single nucleotide variant.
Coding change: c.2545A>G on transcript NM_014846.4 (MANE Select); coding-DNA position 2545, A replaced by G.
Protein change: p.Met849Val; replaces methionine 849 with valine.
Molecular consequence: missense variant. On other transcripts: non-coding transcript variant (1).
Genome position (GRCh38, 1-based): chr8:125,044,658, T>C on the plus strand (A>G on the coding strand, the complement: WASHC5 is on the minus strand). VCF-style: chr8-125044658-T-C. GRCh37 (hg19) VCF-style: chr8-126056900-T-C.
Other names: c.2101A>G, p.Met701Val (NM_001330609.2); short protein forms M701V, M849V.
Identifiers: ClinVar variation 1405977 (VCV001405977.8), dbSNP rs1355658998, ClinGen allele CA372188630.

ClinVar aggregate classification (germline): Uncertain significance (1 of 4 stars; one submission).

Conditions:
Hereditary spastic paraplegia 8 (SPG8). Also called: SPASTIC PARAPLEGIA 8, AUTOSOMAL DOMINANT. Identifiers: Orphanet 100989, MedGen C1863704, MONDO:0011339, OMIM 603563.
Ritscher-Schinzel syndrome. Also called: CRANIOCEREBELLOCARDIAC DYSPLASIA. Identifiers: Orphanet 7, MedGen C0796137, MONDO:0019078.

Allele frequency attached by ClinVar (database versions not stated): gnomAD exomes below 0.00001 and 0.00001; TOPMed below 0.00001.
gnomAD v4.1: 4 of 1,614,118 alleles (0.00025%); highest among the groups gnomAD compares: Non-Finnish European, 0.00025%; no homozygotes.

Submission:

Labcorp Genetics (formerly Invitae), Labcorp
Classification: Uncertain significance for Ritscher-Schinzel syndrome; Hereditary spastic paraplegia 8. Last evaluated: 2020-12-02. Review status: criteria provided, single submitter. Criteria: Invitae Variant Classification Sherloc (09022015). Collection method: clinical testing. Allele origin: germline.
Comment: This sequence change replaces methionine with valine at codon 849 of the WASHC5 protein (p.Met849Val). The methionine residue is moderately conserved and there is a small physicochemical difference between methionine and valine. This variant is not present in population databases (ExAC no frequency). This variant has not been reported in the literature in individuals with WASHC5-related conditions. Algorithms developed to predict the effect of missense changes on protein structure and function (SIFT, PolyPhen-2, Align-GVGD) all suggest that this variant is likely to be tolerated, but these predictions have not been confirmed by published functional studies and their clinical significance is uncertain. In summary, the available evidence is currently insufficient to determine the role of this variant in disease. Therefore, it has been classified as a Variant of Uncertain Significance.